The following is an entry in ClinVar:

ClinVar aggregate classification (germline): Uncertain significance (1 of 4 stars; one submission).

Conditions:
Long QT syndrome (LQTS). Identifiers: MedGen C0023976, MeSH D008133, MONDO:0002442. Disease mechanism: loss of function. Inheritance: Various modes of inheritance.

gnomAD v4.1: 10 of 1,613,804 alleles (0.00062%); highest among the groups gnomAD compares: Admixed American, 0.015%; no homozygotes.

Submission:

Labcorp Genetics (formerly Invitae), Labcorp
Classification: Uncertain significance for Long QT syndrome. Last evaluated: 2024-12-05. Review status: criteria provided, single submitter. Criteria: Invitae Variant Classification Sherloc (09022015). Collection method: clinical testing. Allele origin: germline.
Comment: This sequence change replaces serine, which is neutral and polar, with arginine, which is basic and polar, at codon 2791 of the AKAP9 protein (p.Ser2791Arg). This variant is present in population databases (rs764564465, gnomAD 0.01%). This variant has not been reported in the literature in individuals affected with AKAP9-related conditions. An algorithm developed to predict the effect of missense changes on protein structure and function (PolyPhen-2) suggests that this variant is likely to be disruptive. In summary, the available evidence is currently insufficient to determine the role of this variant in disease. Therefore, it has been classified as a Variant of Uncertain Significance.

NM_005751.5(AKAP9):c.8373C>G (p.Ser2791Arg)

Gene: AKAP9 (A-kinase anchoring protein 9; plus strand). Cytogenetic location: 7q21.2.
Variant type: single nucleotide variant.
Coding change: c.8373C>G on transcript NM_005751.5 (MANE Select); coding-DNA position 8373, C replaced by G.
Protein change: p.Ser2791Arg; replaces serine 2791 with arginine.
Molecular consequence: missense variant.
Genome position (GRCh38, 1-based): chr7:92,083,382, C>G. VCF-style: chr7-92083382-C-G. GRCh37 (hg19) VCF-style: chr7-91712696-C-G.
Other names: c.8349C>G, p.Ser2783Arg (NM_147185.3); c.3018C>G, p.Ser1006Arg (NM_001379277.1); short protein forms S1006R, S2783R, S2791R.
Identifiers: ClinVar variation 3607781 (VCV003607781.2).